The following is an entry in ClinVar:

NM_004385.5(VCAN):c.8095T>A (p.Ser2699Thr)

Genes: VCAN (versican; plus strand), VCAN-AS1 (VCAN antisense RNA 1; minus strand). Cytogenetic location: 5q14.3.
Variant type: single nucleotide variant.
Coding change: c.8095T>A on transcript NM_004385.5 (MANE Select); coding-DNA position 8095, T replaced by A.
Protein change: p.Ser2699Thr; replaces serine 2699 with threonine.
Molecular consequence: missense variant. On other transcripts: intron variant (2).
Genome position (GRCh38, 1-based): chr5:83,541,098, T>A. VCF-style: chr5-83541098-T-A. GRCh37 (hg19) VCF-style: chr5-82836917-T-A.
Other names: c.5134T>A, p.Ser1712Thr (NM_001164097.2); c.4004-4439T>A (NM_001164098.2); c.1043-4439T>A (NM_001126336.3); short protein forms S1712T, S2699T.
Identifiers: ClinVar variation 4528308 (VCV004528308.3).
Genomic context (GRCh38, chr5:83,541,098, plus strand): 5'-ACAGAAACAGAATTAGACGTTTTACTTCCCACGGCAACATCCCTGCCAATTCCTCGTAAG[T>A]CTGCCACAGTTATTCCAGAGATTGAAGGAATAAAAGCTGAAGCAAAAGCCCTGGATGACA-3'
Protein context (NP_004376.2, residues 2689-2709): TATSLPIPRK[Ser2699Thr]ATVIPEIEGI

ClinVar aggregate classification (germline): Uncertain significance. Review status: criteria provided, multiple submitters, no conflicts (2 of 4 stars). 3 submissions from 3 submitters: Uncertain significance (3). Last evaluated 2025-09-16.

gnomAD v4.1: 3 of 1,614,086 alleles (0.00019%); highest among the groups gnomAD compares: East Asian, 0.0067%; no homozygotes.

Submissions (3):

Labcorp Genetics (formerly Invitae), Labcorp
Classification: Uncertain significance. Last evaluated: 2025-09-16. Review status: criteria provided, single submitter. Criteria: Invitae Variant Classification Sherloc (09022015). Collection method: clinical testing. Allele origin: germline.
Comment: This sequence change replaces serine, which is neutral and polar, with threonine, which is neutral and polar, at codon 2699 of the VCAN protein (p.Ser2699Thr). This variant is present in population databases (rs576091685, gnomAD 0.01%). This variant has not been reported in the literature in individuals affected with VCAN-related conditions. An algorithm developed to predict the effect of missense changes on protein structure and function (PolyPhen-2) suggests that this variant is likely to be disruptive. In summary, the available evidence is currently insufficient to determine the role of this variant in disease. Therefore, it has been classified as a Variant of Uncertain Significance.

GeneDx
Classification: Uncertain significance. Last evaluated: 2025-04-28. Review status: criteria provided, single submitter. Criteria: GeneDx Variant Classification Process June 2021. Collection method: clinical testing. Allele origin: germline. Affected: yes.
Comment: In silico analysis supports that this missense variant does not alter protein structure/function; Has not been previously published as pathogenic or benign to our knowledge

Blueprint Genetics
Classification: Uncertain significance. Last evaluated: 2023-03-13. Review status: criteria provided, single submitter. Criteria: ACMG Guidelines, 2015. Collection method: clinical testing. Allele origin: germline.